The following is an entry in ClinVar:

ClinVar aggregate classification (germline): Uncertain significance (1 of 4 stars; one submission).

Conditions:
Agammaglobulinemia 7, autosomal recessive (AGM7). Also called: AGAMMAGLOBULINEMIA, AUTOSOMAL RECESSIVE, DUE TO PIK3R1 DEFECT. Identifiers: MedGen C3554689, MONDO:0014083, OMIM 615214.
Immunodeficiency 36 with lymphoproliferation. Also called: Immunodeficiency 36; ACTIVATED PI3K-DELTA SYNDROME 2; Activated PI3K Delta Syndrome Type 2 (APDS2). Identifiers: Orphanet 397596, Orphanet 693681, MedGen C4014934, MONDO:0014453, OMIM 616005.
SHORT syndrome. Also called: SHORT STATURE, HYPEREXTENSIBILITY, HERNIA, OCULAR DEPRESSION, RIEGER ANOMALY, AND TEETHING DELAY; LIPODYSTROPHY, PARTIAL, WITH RIEGER ANOMALY AND SHORT STATURE; PIK3R1-Related SHORT Syndrome. Identifiers: Orphanet 3163, MedGen C0878684, MONDO:0010026, OMIM 269880.

Submission:

Labcorp Genetics (formerly Invitae), Labcorp
Classification: Uncertain significance for SHORT syndrome; Immunodeficiency 36 with lymphoproliferation; Agammaglobulinemia 7, autosomal recessive. Last evaluated: 2024-08-07. Review status: criteria provided, single submitter. Criteria: Invitae Variant Classification Sherloc (09022015). Collection method: clinical testing. Allele origin: germline.
Comment: This sequence change replaces isoleucine, which is neutral and non-polar, with threonine, which is neutral and polar, at codon 287 of the PIK3R1 protein (p.Ile287Thr). This variant is not present in population databases (gnomAD no frequency). This variant has not been reported in the literature in individuals affected with PIK3R1-related conditions. Advanced modeling of protein sequence and biophysical properties (such as structural, functional, and spatial information, amino acid conservation, physicochemical variation, residue mobility, and thermodynamic stability) performed at Invitae indicates that this missense variant is not expected to disrupt PIK3R1 protein function with a negative predictive value of 80%. In summary, the available evidence is currently insufficient to determine the role of this variant in disease. Therefore, it has been classified as a Variant of Uncertain Significance.

NM_181523.3(PIK3R1):c.860T>C (p.Ile287Thr)

Gene: PIK3R1 (phosphoinositide-3-kinase regulatory subunit 1; plus strand). Cytogenetic location: 5q13.1.
Variant type: single nucleotide variant.
Coding change: c.860T>C on transcript NM_181523.3 (MANE Select); coding-DNA position 860, T replaced by C.
Protein change: p.Ile287Thr; replaces isoleucine 287 with threonine.
Molecular consequence: missense variant.
Genome position (GRCh38, 1-based): chr5:68,280,950, T>C. VCF-style: chr5-68280950-T-C. GRCh37 (hg19) VCF-style: chr5-67576778-T-C.
Other names: short protein forms I287T.
Identifiers: ClinVar variation 3763550 (VCV003763550.2).